The following is an entry in ClinVar:

ClinVar aggregate classification (germline): Uncertain significance (1 of 4 stars; one submission).

Conditions:
Perlman syndrome (PRLMNS). Identifiers: Orphanet 2849, MedGen C0796113, MONDO:0009965, OMIM 267000.

Submission:

Labcorp Genetics (formerly Invitae), Labcorp
Classification: Uncertain significance for Perlman syndrome. Last evaluated: 2022-04-22. Review status: criteria provided, single submitter. Criteria: Invitae Variant Classification Sherloc (09022015). Collection method: clinical testing. Allele origin: germline.
Comment: In summary, the available evidence is currently insufficient to determine the role of this variant in disease. Therefore, it has been classified as a Variant of Uncertain Significance. Algorithms developed to predict the effect of missense changes on protein structure and function (SIFT, PolyPhen-2, Align-GVGD) all suggest that this variant is likely to be tolerated. This variant has not been reported in the literature in individuals affected with DIS3L2-related conditions. This variant is not present in population databases (gnomAD no frequency). This sequence change replaces glutamic acid, which is acidic and polar, with glycine, which is neutral and non-polar, at codon 118 of the DIS3L2 protein (p.Glu118Gly).

NM_152383.5(DIS3L2):c.353A>G (p.Glu118Gly)

Gene: DIS3L2 (DIS3 like 3'-5' exoribonuclease 2; plus strand). Cytogenetic location: 2q37.1.
Variant type: single nucleotide variant.
Coding change: c.353A>G on transcript NM_152383.5 (MANE Select); coding-DNA position 353, A replaced by G.
Protein change: p.Glu118Gly; replaces glutamic acid 118 with glycine.
Molecular consequence: missense variant. On other transcripts: non-coding transcript variant (2).
Genome position (GRCh38, 1-based): chr2:232,030,067, A>G. VCF-style: chr2-232030067-A-G. GRCh37 (hg19) VCF-style: chr2-232894777-A-G.
Other names: c.353A>G, p.Glu118Gly (NM_001257281.2, NM_001257282.2); short protein forms E118G.
Identifiers: ClinVar variation 2414918 (VCV002414918.6), dbSNP rs2469623790, ClinGen allele CA351153024.
Genomic context (GRCh38, chr2:232,030,067, plus strand): 5'-GGGTTGTTGCTCGTAATAGAGCCTTAAATGGGGATCTGGTGGTCGTGAAACTGCTTCCCG[A>G]GGAGCATTGGAAGGTGAGTTAAGTTTTCCCTTTCTAATTACAGATTTCTTAGGGTCTTTC-3'
Protein context (NP_689596.4, residues 108-128): GDLVVVKLLP[Glu118Gly]EHWKVVKPES